The following is an entry in ClinVar:

NM_000166.6(GJB1):c.-16-4G>T

Gene: GJB1 (gap junction protein beta 1; plus strand). Cytogenetic location: Xq13.1.
Variant type: single nucleotide variant.
Coding change: c.-16-4G>T on transcript NM_000166.6 (MANE Select); 4 bases into the intron before 16 bases upstream of the start codon, G replaced by T.
Molecular consequence: intron variant.
Genome position (GRCh38, 1-based): chrX:71,223,688, G>T. VCF-style: chrX-71223688-G-T. GRCh37 (hg19) VCF-style: chrX-70443538-G-T.
Other names: c.-16-4G>T (NM_001097642.3).
Identifiers: ClinVar variation 3033332 (VCV003033332.2), dbSNP rs777134168, ClinGen allele CA10445270.
Genomic context (GRCh38, chrX:71,223,688, plus strand): 5'-GCTATGGCGCCCGACTTTCCACCCCAGCTTTCTGACAGCTTGCTTCATGGCTGGTGTTTT[G>T]CAGGTGTGAATGAGGCAGGATGAACTGGACAGGTTTGTACACCTTGCTCAGTGGCGTGAA-3'

ClinVar aggregate classification (germline): Likely benign (0 of 4 stars; one submission).

Conditions:
GJB1-related disorder. Also called: GJB1-related condition; GJB1-related disorders.

Allele frequency attached by ClinVar (database versions not stated): ExAC 0.00003.

Submission:

PreventionGenetics, part of Exact Sciences
Classification: Likely benign for GJB1-related condition. Last evaluated: 2019-06-19. Review status: no assertion criteria provided. Collection method: clinical testing. Allele origin: germline.
Comment: This variant is classified as likely benign based on ACMG/AMP sequence variant interpretation guidelines (Richards et al. 2015 PMID: 25741868, with internal and published modifications).